The following is an entry in ClinVar:

NM_001267550.2(TTN):c.4642G>T (p.Glu1548Ter)

Genes: TTN (titin; minus strand), LOC101927055 (uncharacterized LOC101927055; plus strand). Cytogenetic location: 2q31.2.
Variant type: single nucleotide variant.
Coding change: c.4642G>T on transcript NM_001267550.2 (MANE Select); coding-DNA position 4642, G replaced by T.
Protein change: p.Glu1548Ter; replaces glutamic acid 1548 with a stop codon.
Molecular consequence: nonsense. On other transcripts: non-coding transcript variant (1).
Genome position (GRCh38, 1-based): chr2:178,777,423, C>A on the plus strand (G>T on the coding strand, the complement: TTN is on the minus strand). VCF-style: chr2-178777423-C-A. GRCh37 (hg19) VCF-style: chr2-179642150-C-A.
Other names: c.4642G>T, p.Glu1548Ter (NM_001256850.1, NM_133378.4, NM_133379.5); c.4504G>T, p.Glu1502Ter (NM_003319.4, NM_133432.3, NM_133437.4); short protein forms E1548*, E1502*.
Identifiers: ClinVar variation 1741071 (VCV001741071.8), dbSNP rs765316175, ClinGen allele CA349463355.

ClinVar aggregate classification (germline): Likely pathogenic. Review status: criteria provided, multiple submitters, no conflicts (2 of 4 stars). 2 submissions from 2 submitters: Likely pathogenic (2). Last evaluated 2025-03-04.

Conditions:
Cardiovascular phenotype. Identifiers: MedGen CN230736.
Autosomal recessive limb-girdle muscular dystrophy type 2J (LGMDR10). Also called: MUSCULAR DYSTROPHY, LIMB-GIRDLE, AUTOSOMAL RECESSIVE 10; Limb-girdle muscular dystrophy, type 2J. Identifiers: Orphanet 140922, MedGen C1837342, MONDO:0012127, OMIM 608807.
Dilated cardiomyopathy 1G (CMD1G). Identifiers: Orphanet 154, MedGen C1858763, MONDO:0011400, OMIM 604145.

Submissions (2):

Ambry Genetics
Classification: Likely pathogenic for Cardiovascular phenotype. Last evaluated: 2025-03-04. Review status: criteria provided, single submitter. Criteria: Ambry Variant Classification Scheme 2023. Collection method: clinical testing. Allele origin: germline.
Comment: The p.E1502* variant (also known as c.4504G>T), located in coding exon 24 of the TTN gene, results from a G to T substitution at nucleotide position 4504. This changes the amino acid from a glutamic acid to a stop codon within coding exon 24. This exon is located in the near Z-disk region of the N2-B isoform of the titin protein and is constitutively expressed in TTN transcripts (percent spliced in or PSI 100%). This variant was reported in individual(s) with features consistent with dilated cardiomyopathy (Ambry internal data). This variant is considered to be rare based on population cohorts in the Genome Aggregation Database (gnomAD). This variant is expected to result in loss of function by premature protein truncation or nonsense-mediated mRNA decay. While truncating variants in TTN are present in 1-3% of the general population, truncating variants in the A-band are the most common cause of dilated cardiomyopathy (Herman DS et al. N. Engl. J. Med., 2012 Feb;366:619-28; Roberts AM et al. Sci Transl Med, 2015 Jan;7:270ra6). TTN truncating variants encoded in constitutive exons (PSI >90%) have been found to be significantly associated with DCM regardless of their position in titin (Schafer S et al. Nat. Genet., 2017 01;49:46-53; Akhtar MM et al. Circ Heart Fail, 2020 Oct;13:e006832; Massier M et al. Clin Genet, 2025 Jan). Based on the majority of available evidence to date, this variant is likely to be pathogenic.

Labcorp Genetics (formerly Invitae), Labcorp
Classification: Likely pathogenic for Dilated cardiomyopathy 1G; Autosomal recessive limb-girdle muscular dystrophy type 2J. Last evaluated: 2024-10-18. Review status: criteria provided, single submitter. Criteria: Invitae Variant Classification Sherloc (09022015). Collection method: clinical testing. Allele origin: germline.
Comment: This sequence change creates a premature translational stop signal (p.Glu1548*) in the TTN gene. While this is not anticipated to result in nonsense mediated decay, it is expected to create a truncated TTN protein. This variant is not present in population databases (gnomAD no frequency). This variant has not been reported in the literature in individuals affected with TTN-related conditions. ClinVar contains an entry for this variant (Variation ID: 1741071). Algorithms developed to predict the effect of sequence changes on RNA splicing suggest that this variant may disrupt the consensus splice site. This variant is located in the Z band of TTN (PMID: 25589632). Truncating variants in this region have been reported in individuals affected with autosomal recessive centronuclear myopathy (PMID: 33449170, internal data). Truncating variants in this region have also been identified in individuals affected with autosomal dominant dilated cardiomyopathy and/or cardio-related conditions (PMID: 27869827, 32964742, internal data). In summary, the currently available evidence indicates that the variant is pathogenic, but additional data are needed to prove that conclusively. Therefore, this variant has been classified as Likely Pathogenic.

Literature cited by the submitters: PubMed 25589632 (cited by Labcorp Genetics (formerly Invitae), Labcorp); PubMed 33449170 (cited by Labcorp Genetics (formerly Invitae), Labcorp); PubMed 27869827 (cited by Labcorp Genetics (formerly Invitae), Labcorp); PubMed 32964742 (cited by Labcorp Genetics (formerly Invitae), Labcorp).